The following is an entry in ClinVar:

ClinVar aggregate classification (germline): Pathogenic (1 of 4 stars; one submission).

Submission:

Labcorp Genetics (formerly Invitae), Labcorp
Classification: Pathogenic. Last evaluated: 2022-02-09. Review status: criteria provided, single submitter. Criteria: Invitae Variant Classification Sherloc (09022015). Collection method: clinical testing. Allele origin: germline.
Comment: For these reasons, this variant has been classified as Pathogenic. This sequence change creates a premature translational stop signal (p.Gly312*) in the ADAMTS18 gene. It is expected to result in an absent or disrupted protein product. Loss-of-function variants in ADAMTS18 are known to be pathogenic (PMID: 23818446, 24874986). This variant is not present in population databases (gnomAD no frequency). This variant has not been reported in the literature in individuals affected with ADAMTS18-related conditions.

Literature cited by the submitters: PubMed 23818446; PubMed 24874986.

NM_199355.4(ADAMTS18):c.934G>T (p.Gly312Ter)

Gene: ADAMTS18 (ADAM metallopeptidase with thrombospondin type 1 motif 18; minus strand). Cytogenetic location: 16q23.1.
Variant type: single nucleotide variant.
Coding change: c.934G>T on transcript NM_199355.4 (MANE Select); coding-DNA position 934, G replaced by T.
Protein change: p.Gly312Ter; replaces glycine 312 with a stop codon.
Molecular consequence: nonsense.
Genome position (GRCh38, 1-based): chr16:77,364,226, C>A on the plus strand (G>T on the coding strand, the complement: ADAMTS18 is on the minus strand). VCF-style: chr16-77364226-C-A. GRCh37 (hg19) VCF-style: chr16-77398123-C-A.
Other names: c.418G>T, p.Gly140Ter (NM_001326358.2); short protein forms G312*, G140*.
Identifiers: ClinVar variation 2095701 (VCV002095701.4), dbSNP rs2543747439, ClinGen allele CA396836557.